The following is an entry in ClinVar:

NM_080605.4(B3GALT6):c.560C>G (p.Ser187Trp)

Gene: B3GALT6 (beta-1,3-galactosyltransferase 6; plus strand). Cytogenetic location: 1p36.33.
Variant type: single nucleotide variant.
Coding change: c.560C>G on transcript NM_080605.4 (MANE Select); coding-DNA position 560, C replaced by G.
Protein change: p.Ser187Trp; replaces serine 187 with tryptophan.
Molecular consequence: missense variant.
Genome position (GRCh38, 1-based): chr1:1,232,838, C>G. VCF-style: chr1-1232838-C-G. GRCh37 (hg19) VCF-style: chr1-1168218-C-G.
Other names: short protein forms S187W.
Identifiers: ClinVar variation 1031061 (VCV001031061.1), dbSNP rs1004549168, ClinGen allele CA16755428.

ClinVar aggregate classification (germline): Uncertain significance (1 of 4 stars; one submission).

Conditions:
Ehlers-Danlos syndrome, spondylodysplastic type, 2 (EDSSPD2). Also called: Ehlers-Danlos syndrome, progeroid type, 2. Identifiers: Orphanet 536467, Orphanet 75496, MedGen C3809210, MONDO:0014139, OMIM 615349.

Allele frequency attached by ClinVar (database versions not stated): TOPMed below 0.00001.

Submission:

Baylor Genetics
Classification: Uncertain significance for Ehlers-Danlos syndrome, spondylodysplastic type, 2. Last evaluated: 2020-06-03. Review status: criteria provided, single submitter. Criteria: ACMG Guidelines, 2015. Collection method: clinical testing. Allele origin: unknown. Affected: yes.
Comment: This variant was determined to be of uncertain significance according to ACMG Guidelines, 2015 [PMID:25741868].